The following is an entry in ClinVar:

ClinVar aggregate classification (germline): Likely benign (1 of 4 stars; one submission).

Conditions:
Hereditary breast ovarian cancer syndrome. Also called: Hereditary breast and ovarian cancer; Hereditary breast and ovarian cancer syndrome (HBOC); Breast and ovarian cancer; Hereditary breast and/or ovarian cancer syndrome; BRCA1- and BRCA2-Associated Hereditary Breast and Ovarian Cancer; Hereditary breast and ovarian cancer syndrome. Identifiers: Orphanet 145, MedGen C0677776, MeSH D061325, MONDO:0003582. Disease mechanism: loss of function.

Submissions (2):

Labcorp Genetics (formerly Invitae), Labcorp
Classification: Likely benign for Hereditary breast ovarian cancer syndrome. Last evaluated: 2024-07-09. Review status: criteria provided, single submitter. Criteria: Invitae Variant Classification Sherloc (09022015). Collection method: clinical testing. Allele origin: germline.

Brotman Baty Institute, University of Washington
No classification provided (evidence only). Condition: Breast-ovarian cancer, familial 1. Review status: no classification provided. Collection method: in vitro. Allele origin: not applicable. Functional consequence: functionally_normal. Not counted in ClinVar's aggregate classification.
ClinVar note: "not provided" was previously submitted as the classification for the variant. However, the classification appeared to be based only on an observation of functional data so it was converted to no classification on 2025-07-30.

NM_007294.4(BRCA1):c.5153-13A>C

Gene: BRCA1 (BRCA1 DNA repair associated; minus strand). Cytogenetic location: 17q21.31.
Variant type: single nucleotide variant.
Coding change: c.5153-13A>C on transcript NM_007294.4 (MANE Select); 13 bases into the intron before coding-DNA position 5153, A replaced by C.
Molecular consequence: intron variant.
Genome position (GRCh38, 1-based): chr17:43,063,386, T>G on the plus strand (A>C on the coding strand, the complement: BRCA1 is on the minus strand). VCF-style: chr17-43063386-T-G. GRCh37 (hg19) VCF-style: chr17-41215403-T-G.
Other names: c.1841-13A>C (NM_001407981.1, NM_007298.4, NM_001407986.1 and 12 more transcripts); c.1844-13A>C (NM_001407978.1, NM_001407977.1, NM_001407976.1 and 3 more transcripts); c.5147-13A>C (NM_001407639.1, NM_001407630.1, NM_001407633.1 and 14 more transcripts); c.5150-13A>C (NM_001407859.1, NM_001407620.1, NM_001407623.1 and 17 more transcripts); c.5153-13A>C (NM_001407597.1, NM_001407605.1, NM_001407684.1 and 7 more transcripts); c.5219-13A>C (NM_001407582.1, NM_001407581.1); c.4937-13A>C (NM_001407917.1, NM_001407918.1, NM_001407915.1 and 1 more transcripts); c.1700-13A>C (NM_001408462.1, NM_001408458.1, NM_001408461.1 and 7 more transcripts); and 72 more.
Identifiers: ClinVar variation 868749 (VCV000868749.6), dbSNP rs45471406, ClinGen allele CA916080067.